The following is an entry in ClinVar:

ClinVar aggregate classification (germline): Uncertain significance (1 of 4 stars; one submission).

Conditions:
Hereditary cancer-predisposing syndrome. Also called: Neoplastic Syndromes, Hereditary; Tumor predisposition; Hereditary Cancer Syndrome; Hereditary neoplastic syndrome. Identifiers: Orphanet 140162, MedGen C0027672, MeSH D009386, MONDO:0015356.

Submission:

Ambry Genetics
Classification: Uncertain significance for Hereditary cancer-predisposing syndrome. Last evaluated: 2026-01-18. Review status: criteria provided, single submitter. Criteria: Ambry Variant Classification Scheme 2023. Collection method: clinical testing. Allele origin: germline.
Comment: The p.A629T variant (also known as c.1885G>A), located in coding exon 14 of the PTCH1 gene, results from a G to A substitution at nucleotide position 1885. The alanine at codon 629 is replaced by threonine, an amino acid with similar properties. This amino acid position is conserved. In addition, the in silico prediction for this alteration is inconclusive. Based on the available evidence, the clinical significance of this variant remains unclear.

NM_000264.5(PTCH1):c.1885G>A (p.Ala629Thr)

Genes: PTCH1 (patched 1; minus strand), LOC100507346 (uncharacterized LOC100507346; plus strand). Cytogenetic location: 9q22.32.
Variant type: single nucleotide variant.
Coding change: c.1885G>A on transcript NM_000264.5 (MANE Select); coding-DNA position 1885, G replaced by A.
Protein change: p.Ala629Thr; replaces alanine 629 with threonine.
Molecular consequence: missense variant. On other transcripts: non-coding transcript variant (2).
Genome position (GRCh38, 1-based): chr9:95,469,116, C>T on the plus strand (G>A on the coding strand, the complement: PTCH1 is on the minus strand). VCF-style: chr9-95469116-C-T. GRCh37 (hg19) VCF-style: chr9-98231398-C-T.
Other names: c.1687G>A, p.Ala563Thr (NM_001083602.3); c.1882G>A, p.Ala628Thr (NM_001083603.3); c.1432G>A, p.Ala478Thr (NM_001083604.3, NM_001083605.3, NM_001083606.3 and 1 more transcripts); c.1729G>A, p.Ala577Thr (NM_001354918.2); short protein forms A563T, A577T, A628T, A629T, A478T.
Identifiers: ClinVar variation 4845066 (VCV004845066.1).
Genomic context (GRCh38, chr9:95,469,116, plus strand): 5'-TGTGGCTGCTGTAGGGAGGTGGGGGGCTGTAGCGGGTATTGTCGTGTGTGTCGGTGTAGG[C>T]CTGAGGTTCAACCTGAATCACTCTGCTGACGCAGGGGCTGAAAGGAGGGGAAACATGTTG-3'
Protein context (NP_000255.2, residues 619-639): VSRVIQVEPQ[Ala629Thr]YTDTHDNTRY